The following is an entry in ClinVar:

ClinVar aggregate classification (germline): Uncertain significance (1 of 4 stars; one submission).

Conditions:
Dextro-looped transposition of the great arteries. Also called: Dextrotransposition of the great arteries. Identifiers: Orphanet 860, MedGen C3531771, MONDO:0019443, OMIM 608808, HP:0031348.

gnomAD v4.1: 4 of 1,614,002 alleles (0.00025%); highest among the groups gnomAD compares: Admixed American, 0.0017%; no homozygotes.

Submission:

Labcorp Genetics (formerly Invitae), Labcorp
Classification: Uncertain significance for Dextro-looped transposition of the great arteries. Last evaluated: 2024-02-27. Review status: criteria provided, single submitter. Criteria: Invitae Variant Classification Sherloc (09022015). Collection method: clinical testing. Allele origin: germline.
Comment: This sequence change replaces isoleucine, which is neutral and non-polar, with leucine, which is neutral and non-polar, at codon 552 of the MED13L protein (p.Ile552Leu). This variant is present in population databases (rs371805787, gnomAD 0.003%). This variant has not been reported in the literature in individuals affected with MED13L-related conditions. Advanced modeling of protein sequence and biophysical properties (such as structural, functional, and spatial information, amino acid conservation, physicochemical variation, residue mobility, and thermodynamic stability) performed at Invitae indicates that this missense variant is not expected to disrupt MED13L protein function with a negative predictive value of 80%. In summary, the available evidence is currently insufficient to determine the role of this variant in disease. Therefore, it has been classified as a Variant of Uncertain Significance.

NM_015335.5(MED13L):c.1654A>C (p.Ile552Leu)

Gene: MED13L (mediator complex subunit 13L; minus strand). Cytogenetic location: 12q24.21.
Variant type: single nucleotide variant.
Coding change: c.1654A>C on transcript NM_015335.5 (MANE Select); coding-DNA position 1654, A replaced by C.
Protein change: p.Ile552Leu; replaces isoleucine 552 with leucine.
Molecular consequence: missense variant.
Genome position (GRCh38, 1-based): chr12:116,008,759, T>G on the plus strand (A>C on the coding strand, the complement: MED13L is on the minus strand). VCF-style: chr12-116008759-T-G. GRCh37 (hg19) VCF-style: chr12-116446564-T-G.
Other names: short protein forms I552L.
Identifiers: ClinVar variation 3643145 (VCV003643145.2).
Genomic context (GRCh38, chr12:116,008,759, plus strand): 5'-CCAAACTCTCTGTTTCCTGACCTCGTGGCTGAGGGCTGAGTGTTGGTGGCAGAGGGGATA[T>G]AGGGGAATGAGGTGAATCCATAGGATTCAGATTCATTTGCTTGCTTGTATTTCTGGAAGG-3'
Protein context (NP_056150.1, residues 542-562): LNPMDSPHSP[Ile552Leu]SPLPPTLSPQ